The following is an entry in ClinVar:

ClinVar aggregate classification (germline): Uncertain significance (1 of 4 stars; one submission).

Allele frequency attached by ClinVar (database versions not stated): gnomAD exomes below 0.00001; TOPMed 0.00002.
gnomAD v4.1: 6 of 1,612,822 alleles (0.00037%); highest among the groups gnomAD compares: Admixed American, 0.0017%; no homozygotes.

Submission:

GeneDx
Classification: Uncertain significance. Last evaluated: 2023-04-03. Review status: criteria provided, single submitter. Criteria: GeneDx Variant Classification Process June 2021. Collection method: clinical testing. Allele origin: germline. Affected: yes.
Comment: Not observed at significant frequency in large population cohorts (gnomAD); In silico analysis supports that this missense variant does not alter protein structure/function; Has not been previously published as pathogenic or benign to our knowledge

NM_001379659.1(ZNF142):c.4004T>G (p.Leu1335Arg)

Gene: ZNF142 (zinc finger protein 142; minus strand). Cytogenetic location: 2q35.
Variant type: single nucleotide variant.
Coding change: c.4004T>G on transcript NM_001379659.1 (MANE Select); coding-DNA position 4004, T replaced by G.
Protein change: p.Leu1335Arg; replaces leucine 1335 with arginine.
Molecular consequence: missense variant.
Genome position (GRCh38, 1-based): chr2:218,643,112, A>C on the plus strand (T>G on the coding strand, the complement: ZNF142 is on the minus strand). VCF-style: chr2-218643112-A-C. GRCh37 (hg19) VCF-style: chr2-219507835-A-C.
Other names: c.3404T>G, p.Leu1135Arg (NM_001105537.5, NM_001366291.3, NM_001379662.1); c.2915T>G, p.Leu972Arg (NM_001366287.3, NM_001366288.3, NM_001366289.3); c.4004T>G, p.Leu1335Arg (NM_001366290.3, NM_001379660.1, NM_001379661.1); short protein forms L1135R, L1335R, L972R.
Identifiers: ClinVar variation 2663723 (VCV002663723.1), dbSNP rs1171379887, ClinGen allele CA350586707.